The following is an entry in ClinVar:

NM_004714.3(DYRK1B):c.1819G>A (p.Asp607Asn)

Gene: DYRK1B (dual specificity tyrosine phosphorylation regulated kinase 1B; minus strand). Cytogenetic location: 19q13.2.
Variant type: single nucleotide variant.
Coding change: c.1819G>A on transcript NM_004714.3 (MANE Select); coding-DNA position 1819, G replaced by A.
Protein change: p.Asp607Asn; replaces aspartic acid 607 with asparagine.
Molecular consequence: missense variant.
Genome position (GRCh38, 1-based): chr19:39,825,786, C>T on the plus strand (G>A on the coding strand, the complement: DYRK1B is on the minus strand). VCF-style: chr19-39825786-C-T. GRCh37 (hg19) VCF-style: chr19-40316426-C-T.
Other names: c.1699G>A, p.Asp567Asn (NM_006483.3); c.1735G>A, p.Asp579Asn (NM_006484.3); short protein forms D567N, D579N, D607N.
Identifiers: ClinVar variation 5001641 (VCV005001641.1).

ClinVar aggregate classification (germline): Uncertain significance (1 of 4 stars; one submission).

Conditions:
DYRK1B-related disorder. Also called: DYRK1B-related condition.

Submission:

PreventionGenetics, part of Exact Sciences
Classification: Uncertain significance for DYRK1B-related condition. Last evaluated: 2025-08-08. Review status: criteria provided, single submitter. Criteria: ACMG Guidelines, 2015. Collection method: clinical testing. Allele origin: germline.
Comment: The DYRK1B c.1819G>A variant is predicted to result in the amino acid substitution p.Asp607Asn. To our knowledge, this variant has not been reported in the literature or in a large population database (gnomAD), indicating this variant is rare. At this time, the clinical significance of this variant is uncertain due to the absence of conclusive functional and genetic evidence.